The following is an entry in ClinVar:

NM_176787.5(PIGN):c.1903G>A (p.Val635Ile)

Gene: PIGN (phosphatidylinositol glycan anchor biosynthesis class N; minus strand). Cytogenetic location: 18q21.33.
Variant type: single nucleotide variant.
Coding change: c.1903G>A on transcript NM_176787.5 (MANE Select); coding-DNA position 1903, G replaced by A.
Protein change: p.Val635Ile; replaces valine 635 with isoleucine.
Molecular consequence: missense variant.
Genome position (GRCh38, 1-based): chr18:62,102,859, C>T on the plus strand (G>A on the coding strand, the complement: PIGN is on the minus strand). VCF-style: chr18-62102859-C-T. GRCh37 (hg19) VCF-style: chr18-59770092-C-T.
Other names: c.1903G>A, p.Val635Ile (NM_012327.6); c.1903G>A (NM_176787.4); short protein forms V635I.
Identifiers: ClinVar variation 2155823 (VCV002155823.2), dbSNP rs377479190, ClinGen allele CA8982144.

ClinVar aggregate classification (germline): Uncertain significance. Review status: criteria provided, multiple submitters, no conflicts (2 of 4 stars). 2 submissions from 2 submitters: Uncertain significance (2). Last evaluated 2023-12-21.

Conditions:
Multiple congenital anomalies-hypotonia-seizures syndrome 1 (MCAHS1). Also called: PIGN-CDG; Congenital disorder of glycosylation due to PIGN deficiency; GLYCOSYLPHOSPHATIDYLINOSITOL BIOSYNTHESIS DEFECT 3. Identifiers: Orphanet 280633, MedGen C3279775, MONDO:0013563, OMIM 614080.
Inborn genetic diseases. Identifiers: MedGen C0950123, MeSH D030342.

Allele frequency attached by ClinVar (database versions not stated): gnomAD exomes below 0.00001; ExAC 0.00002; gnomAD 0.00004; ESP Exome Variant Server 0.00008; TOPMed 0.00008.
gnomAD v4.1: 8 of 1,587,606 alleles (0.0005%); highest among the groups gnomAD compares: African/African-American, 0.0094%; no homozygotes.

Submissions (2):

Ambry Genetics
Classification: Uncertain significance for Inborn genetic diseases. Last evaluated: 2023-12-21. Review status: criteria provided, single submitter. Criteria: Ambry Variant Classification Scheme 2023. Collection method: clinical testing. Allele origin: germline.

Labcorp Genetics (formerly Invitae), Labcorp
Classification: Uncertain significance for Multiple congenital anomalies-hypotonia-seizures syndrome 1. Last evaluated: 2022-06-29. Review status: criteria provided, single submitter. Criteria: Invitae Variant Classification Sherloc (09022015). Collection method: clinical testing. Allele origin: germline.
Comment: This sequence change replaces valine, which is neutral and non-polar, with isoleucine, which is neutral and non-polar, at codon 635 of the PIGN protein (p.Val635Ile). The frequency data for this variant in the population databases is considered unreliable, as metrics indicate poor data quality at this position in the gnomAD database. This variant has not been reported in the literature in individuals affected with PIGN-related conditions. Algorithms developed to predict the effect of missense changes on protein structure and function output the following: SIFT: "Tolerated"; PolyPhen-2: "Benign"; Align-GVGD: "Class C0". The isoleucine amino acid residue is found in multiple mammalian species, which suggests that this missense change does not adversely affect protein function. In summary, the available evidence is currently insufficient to determine the role of this variant in disease. Therefore, it has been classified as a Variant of Uncertain Significance.